The following is an entry in ClinVar:

NM_001160372.4(TRAPPC9):c.1732G>A (p.Ala578Thr)

Gene: TRAPPC9 (trafficking protein particle complex subunit 9; minus strand). Cytogenetic location: 8q24.3.
Variant type: single nucleotide variant.
Coding change: c.1732G>A on transcript NM_001160372.4 (MANE Select); coding-DNA position 1732, G replaced by A.
Protein change: p.Ala578Thr; replaces alanine 578 with threonine.
Molecular consequence: missense variant. On other transcripts: non-coding transcript variant (1).
Genome position (GRCh38, 1-based): chr8:140,300,505, C>T on the plus strand (G>A on the coding strand, the complement: TRAPPC9 is on the minus strand). VCF-style: chr8-140300505-C-T. GRCh37 (hg19) VCF-style: chr8-141310604-C-T.
Other names: c.1705G>A, p.Ala569Thr (NM_001321646.2); c.1753G>A, p.Ala585Thr (NM_001374682.1); c.1732G>A, p.Ala578Thr (NM_001374683.1, NM_031466.8); c.1588G>A, p.Ala530Thr (NM_001374684.1); short protein forms A585T, A530T, A578T, A569T.
Identifiers: ClinVar variation 1784659 (VCV001784659.2), dbSNP rs750502015, ClinGen allele CA4893360.

ClinVar aggregate classification (germline): Uncertain significance (1 of 4 stars; one submission).

Conditions:
Inborn genetic diseases. Identifiers: MedGen C0950123, MeSH D030342.

Allele frequency attached by ClinVar (database versions not stated): ExAC 0.00002.
gnomAD v4.1: 26 of 1,614,196 alleles (0.0016%); highest among the groups gnomAD compares: East Asian, 0.0022%; no homozygotes.

Submission:

Ambry Genetics
Classification: Uncertain significance for Inborn genetic diseases. Last evaluated: 2019-01-23. Review status: criteria provided, single submitter. Criteria: Ambry Variant Classification Scheme 2023. Collection method: clinical testing. Allele origin: germline.
Comment: The p.A676T variant (also known as c.2026G>A), located in coding exon 11 of the TRAPPC9 gene, results from a G to A substitution at nucleotide position 2026. The alanine at codon 676 is replaced by threonine, an amino acid with similar properties. This amino acid position is not well conserved in available vertebrate species. In addition, this alteration is predicted to be tolerated by in silico analysis. Since supporting evidence is limited at this time, the clinical significance of this alteration remains unclear.